The following is an entry in ClinVar:

NM_001369.3(DNAH5):c.10441C>T (p.Arg3481Ter)

Gene: DNAH5 (dynein axonemal heavy chain 5; minus strand). Cytogenetic location: 5p15.2.
Variant type: single nucleotide variant.
Coding change: c.10441C>T on transcript NM_001369.3 (MANE Select); coding-DNA position 10441, C replaced by T.
Protein change: p.Arg3481Ter; replaces arginine 3481 with a stop codon.
Molecular consequence: nonsense.
Genome position (GRCh38, 1-based): chr5:13,754,317, G>A on the plus strand (C>T on the coding strand, the complement: DNAH5 is on the minus strand). VCF-style: chr5-13754317-G-A. GRCh37 (hg19) VCF-style: chr5-13754426-G-A.
Other names: short protein forms R3481*.
Identifiers: ClinVar variation 265361 (VCV000265361.25), dbSNP rs886039500, ClinGen allele CA10588392.

ClinVar aggregate classification (germline): Pathogenic/Likely pathogenic. Review status: criteria provided, multiple submitters, no conflicts (2 of 4 stars). 9 submissions from 9 submitters: Pathogenic (8); Likely pathogenic (1). Last evaluated 2026-02-10.

Conditions:
Primary ciliary dyskinesia. Also called: Ciliary dyskinesia. Identifiers: Orphanet 244, MedGen C0008780, MONDO:0016575, HP:0012265.
Primary ciliary dyskinesia 3. Identifiers: Orphanet 244, MedGen C1837618, MONDO:0012085, OMIM 608644.

Allele frequency attached by ClinVar (database versions not stated): TOPMed 0.00001; gnomAD 0.00001; gnomAD exomes 0.00001 and below 0.00001.
gnomAD v4.1: 10 of 1,613,882 alleles (0.00062%); highest among the groups gnomAD compares: Admixed American, 0.0017%; no homozygotes.

Submissions (9):

Clinical Genetics and Genomics, Karolinska University Hospital
Classification: Pathogenic for Primary ciliary dyskinesia 3. Last evaluated: 2026-02-10. Review status: criteria provided, single submitter. Criteria: ACMG Guidelines, 2015. Collection method: clinical testing. Allele origin: germline. Inheritance: Autosomal recessive inheritance. Affected: yes.

Natera, Inc.
Classification: Pathogenic for Primary ciliary dyskinesia. Last evaluated: 2025-07-29. Review status: criteria provided, single submitter. Criteria: Natera Variant Classification Schema (03/2026). Collection method: clinical testing. Allele origin: germline.
Comment: The c.10441C>T variant in DNAH5 is a nonsense variant predicted to introduce a stop codon at amino acid 3481. This variant is expected to result in nonsense mediated decay, truncation, or a dysfunctional protein product. This variant is rare in the general population with a frequency below the threshold expected for the associated phenotype(s). This variant has been observed in one or more individuals affected with the associated recessive disease, as either homozygous or compound heterozygous with a second variant (PMID: 25186273). Given the available evidence, this variant is classified as Pathogenic.

Myriad Genetics, Inc.
Classification: Pathogenic for Primary ciliary dyskinesia 3. Last evaluated: 2024-05-14. Review status: criteria provided, single submitter. Criteria: Myriad Autosomal Dominant, Autosomal Recessive and X-Linked Classification Criteria (2023). Collection method: clinical testing. Allele origin: unknown.
Comment: NM_001369.2(DNAH5):c.10441C>T(R3481*) is expected to be pathogenic in the context of primary ciliary dyskinesia, DNAH5-related. This variant is predicted to lead to an abnormal or absent protein product due to the creation of a premature termination codon in DNAH5, a gene where loss-of-function variants are known to be pathogenic. Please note: this variant was assessed in the context of healthy population screening.

Labcorp Genetics (formerly Invitae), Labcorp
Classification: Pathogenic for Primary ciliary dyskinesia. Last evaluated: 2022-05-22. Review status: criteria provided, single submitter. Criteria: Invitae Variant Classification Sherloc (09022015). Collection method: clinical testing. Allele origin: germline.
Comment: This sequence change creates a premature translational stop signal (p.Arg3481*) in the DNAH5 gene. It is expected to result in an absent or disrupted protein product. Loss-of-function variants in DNAH5 are known to be pathogenic (PMID: 11788826, 16627867). This variant is present in population databases (no rsID available, gnomAD 0.003%). This premature translational stop signal has been observed in individual(s) with primary ciliary dyskinesia (PMID: 25186273). ClinVar contains an entry for this variant (Variation ID: 265361). For these reasons, this variant has been classified as Pathogenic.

Revvity Omics, Revvity
Classification: Pathogenic for Primary ciliary dyskinesia 3. Last evaluated: 2022-05-10. Review status: criteria provided, single submitter. Criteria: ACMG Guidelines, 2015. Collection method: clinical testing. Allele origin: germline.

AiLife Diagnostics
Classification: Pathogenic. Last evaluated: 2022-03-23. Review status: criteria provided, single submitter. Criteria: ACMG Guidelines, 2015. Collection method: clinical testing. Allele origin: germline. Affected: yes. Observed: 1 variant allele.

UNC Molecular Genetics  Laboratory, University of North Carolina at Chapel Hill
Classification: Likely pathogenic for Primary ciliary dyskinesia. Last evaluated: 2018-11-08. Review status: criteria provided, single submitter. Criteria: ACMG Guidelines, 2015. Collection method: clinical testing. Allele origin: germline. Affected: yes. Observed: 1 compound heterozygote.

Ambry Genetics
Classification: Pathogenic for Primary ciliary dyskinesia. Last evaluated: 2016-02-10. Review status: criteria provided, single submitter. Criteria: Ambry Variant Classification Scheme 2023. Collection method: clinical testing. Allele origin: germline.
Comment: The p.R3481* pathogenic mutation (also known as c.10441C>T), located in coding exon 62 of the DNAH5 gene, results from a C to T substitution at nucleotide position 10441. This changes the amino acid from an arginine to a stop codon within coding exon 62. This mutation was reported in a patient with primary ciliary dyskinesia, who carried a frameshift alteration on the other allele (Raidt J et al, Eur. Respir. J. 2014 Dec; 44(6):1579-88). In addition to the clinical data reported in the literature, since premature stop codons are typically deleterious in nature, this alteration is interpreted as a disease-causing mutation (ACMG Recommendations for Standards for Interpretation and Reporting of Sequence Variations. Revision 2007. Genet Med. 2008;10:294).

GeneDx
Classification: Pathogenic. Last evaluated: 2015-10-29. Review status: criteria provided, single submitter. Criteria: GeneDx Variant Classification (06012015). Collection method: clinical testing. Allele origin: germline. Affected: yes.
Comment: The R3481X variant in the DNAH5 gene has not been reported previously as a pathogenic variant nor as a benign variant, to our knowledge. This variant is predicted to cause loss of normal protein function either through protein truncation or nonsense-mediated mRNA decay. The R3481X variant was not observed in approximately 6500 individuals of European and African American ancestry in the NHLBI Exome Sequencing Project, indicating it is not a common benign variant in these populations. We interpret R3481X as a pathogenic variant.

Literature cited by the submitters: PubMed 25186273 (cited by 4 submitters); PubMed 11788826 (cited by Labcorp Genetics (formerly Invitae), Labcorp); PubMed 16627867 (cited by Labcorp Genetics (formerly Invitae), Labcorp); PubMed 24448499 (cited by AiLife Diagnostics).